The following is an entry in ClinVar:

ClinVar aggregate classification (germline): Uncertain significance (1 of 4 stars; one submission).

Conditions:
Primary ciliary dyskinesia. Also called: Ciliary dyskinesia. Identifiers: Orphanet 244, MedGen C0008780, MONDO:0016575, HP:0012265.

gnomAD v4.1: 2 of 1,613,442 alleles (0.00012%); highest among the groups gnomAD compares: East Asian, 0.0022%; no homozygotes.

Submission:

Labcorp Genetics (formerly Invitae), Labcorp
Classification: Uncertain significance for Primary ciliary dyskinesia. Last evaluated: 2022-03-26. Review status: criteria provided, single submitter. Criteria: Invitae Variant Classification Sherloc (09022015). Collection method: clinical testing. Allele origin: germline.
Comment: In summary, the available evidence is currently insufficient to determine the role of this variant in disease. Therefore, it has been classified as a Variant of Uncertain Significance. Algorithms developed to predict the effect of missense changes on protein structure and function output the following: SIFT: "Tolerated"; PolyPhen-2: "Benign"; Align-GVGD: "Class C0". The asparagine amino acid residue is found in multiple mammalian species, which suggests that this missense change does not adversely affect protein function. This sequence change replaces serine, which is neutral and polar, with asparagine, which is neutral and polar, at codon 675 of the DNAAF1 protein (p.Ser675Asn). This variant is not present in population databases (gnomAD no frequency). This variant has not been reported in the literature in individuals affected with DNAAF1-related conditions.

NM_178452.6(DNAAF1):c.2024G>A (p.Ser675Asn)

Gene: DNAAF1 (dynein axonemal assembly factor 1; plus strand). Cytogenetic location: 16q24.1.
Variant type: single nucleotide variant.
Coding change: c.2024G>A on transcript NM_178452.6 (MANE Select); coding-DNA position 2024, G replaced by A.
Protein change: p.Ser675Asn; replaces serine 675 with asparagine.
Molecular consequence: missense variant.
Genome position (GRCh38, 1-based): chr16:84,176,258, G>A. VCF-style: chr16-84176258-G-A. GRCh37 (hg19) VCF-style: chr16-84209864-G-A.
Other names: c.1316G>A, p.Ser439Asn (NM_001318756.1); short protein forms S439N, S675N.
Identifiers: ClinVar variation 2113905 (VCV002113905.4), dbSNP rs2288023, ClinGen allele CA396951318.
Genomic context (GRCh38, chr16:84,176,258, plus strand): 5'-CCTCTGGCCAGCTACTGATGCCCCCCACCTGCCAAAGAGATGCTGCACCACTCACTTCCA[G>A]TGGAGACAGGGACAGCGACTTCCTTGCAGCCTCTTCTCCGGGTAAGAGCGTGGGGCCGAG-3'
Protein context (NP_848547.4, residues 665-685): CQRDAAPLTS[Ser675Asn]GDRDSDFLAA